The following is an entry in ClinVar:

ClinVar aggregate classification (germline): Pathogenic (1 of 4 stars; one submission).

Conditions:
MHC class II deficiency. Also called: Bare lymphocyte syndrome 2; BLS, TYPE II. Identifiers: Orphanet 572, MedGen C5447452, MONDO:0008855.

Submission:

Labcorp Genetics (formerly Invitae), Labcorp
Classification: Pathogenic for MHC class II deficiency. Last evaluated: 2023-12-23. Review status: criteria provided, single submitter. Criteria: Invitae Variant Classification Sherloc (09022015). Collection method: clinical testing. Allele origin: germline.
Comment: This sequence change creates a premature translational stop signal (p.Tyr1033Cysfs*11) in the CIITA gene. It is expected to result in an absent or disrupted protein product. Loss-of-function variants in CIITA are known to be pathogenic (PMID: 8402893, 9099848, 26271388). This variant is not present in population databases (gnomAD no frequency). This variant has not been reported in the literature in individuals affected with CIITA-related conditions. For these reasons, this variant has been classified as Pathogenic.

Literature cited by the submitters: PubMed 8402893; PubMed 9099848; PubMed 26271388.

NM_000246.4(CIITA):c.3098_3116del (p.Tyr1033fs)

Gene: CIITA (class II major histocompatibility complex transactivator; plus strand). Cytogenetic location: 16p13.13.
Variant type: Deletion.
Coding change: c.3098_3116del on transcript NM_000246.4 (MANE Select); coding-DNA positions 3098 to 3116, 19 bases deleted (ACAAACTCGCCGAGGCCCT).
Protein change: p.Tyr1033fs; shifts the reading frame from tyrosine 1033.
Molecular consequence: frameshift variant. On other transcripts: non-coding transcript variant (1).
Genome position (GRCh38, 1-based): chr16:10,918,475-10,918,493, ACAAACTCGCCGAGGCCCT deleted; deleting any 19 consecutive bases within chr16:10,918,472-10,918,493 gives the same sequence; the c. name uses the placement nearest the transcript's 3' end. VCF-style (leftmost placement, unchanged base first): chr16-10918471-GCCTACAAACTCGCCGAGGC-G. GRCh37 (hg19) VCF-style: chr16-11012328-GCCTACAAACTCGCCGAGGC-G.
Other names: c.3101_3119del, p.Tyr1034fs (NM_001286402.1, NM_001379332.1); c.1346_1364del, p.Tyr449fs (NM_001286403.2); c.2954_2972del, p.Tyr985fs (NM_001379330.1); c.2951_2969del, p.Tyr984fs (NM_001379331.1); c.3098_3116del, p.Tyr1033fs (NM_001379333.1); c.3029_3047del, p.Tyr1010fs (NM_001379334.1); short protein forms Y1034fs, Y1010fs, Y1033fs, Y449fs, Y984fs, Y985fs.
Identifiers: ClinVar variation 2805565 (VCV002805565.3), dbSNP rs2040082093, ClinGen allele CA974632883.